The following is an entry in ClinVar:

NM_021956.5(GRIK2):c.2566T>C (p.Ser856Pro)

Gene: GRIK2 (glutamate ionotropic receptor kainate type subunit 2; plus strand). Cytogenetic location: 6q16.3.
Variant type: single nucleotide variant.
Coding change: c.2566T>C on transcript NM_021956.5 (MANE Select); coding-DNA position 2566, T replaced by C.
Protein change: p.Ser856Pro; replaces serine 856 with proline.
Molecular consequence: missense variant. On other transcripts: 3 prime UTR variant (2).
Genome position (GRCh38, 1-based): chr6:102,068,350, T>C. VCF-style: chr6-102068350-T-C. GRCh37 (hg19) VCF-style: chr6-102516225-T-C.
Other names: c.*19T>C (NM_001166247.1); c.*43T>C (NM_175768.3); short protein forms S856P.
Identifiers: ClinVar variation 4032335 (VCV004032335.1).

ClinVar aggregate classification (germline): Uncertain significance (1 of 4 stars; one submission).

Conditions:
Inborn genetic diseases. Identifiers: MedGen C0950123, MeSH D030342.

Submission:

Ambry Genetics
Classification: Uncertain significance for Inborn genetic diseases. Last evaluated: 2025-04-23. Review status: criteria provided, single submitter. Criteria: Ambry Variant Classification Scheme 2023. Collection method: clinical testing. Allele origin: germline.
Comment: The c.2566T>C (p.S856P) alteration is located in exon 16 (coding exon 16) of the GRIK2 gene. This alteration results from a T to C substitution at nucleotide position 2566, causing the serine (S) at amino acid position 856 to be replaced by a proline (P). This variant was not reported in population-based cohorts in the Genome Aggregation Database (gnomAD). This amino acid position is highly conserved in available vertebrate species. The in silico prediction for this alteration is inconclusive. Based on insufficient or conflicting evidence, the clinical significance of this alteration remains unclear.